The following is an entry in ClinVar:

NM_006445.4(PRPF8):c.1439A>G (p.Lys480Arg)

Gene: PRPF8 (pre-mRNA processing factor 8; minus strand). Cytogenetic location: 17p13.3.
Variant type: single nucleotide variant.
Coding change: c.1439A>G on transcript NM_006445.4 (MANE Select); coding-DNA position 1439, A replaced by G.
Protein change: p.Lys480Arg; replaces lysine 480 with arginine.
Molecular consequence: missense variant.
Genome position (GRCh38, 1-based): chr17:1,679,177, T>C on the plus strand (A>G on the coding strand, the complement: PRPF8 is on the minus strand). VCF-style: chr17-1679177-T-C. GRCh37 (hg19) VCF-style: chr17-1582471-T-C.
Other names: short protein forms K480R.
Identifiers: ClinVar variation 2095339 (VCV002095339.4), dbSNP rs1912768048, ClinGen allele CA397561555.

ClinVar aggregate classification (germline): Uncertain significance (1 of 4 stars; one submission).

Allele frequency attached by ClinVar (database versions not stated): gnomAD exomes below 0.00001.
gnomAD v4.1: 2 of 1,614,092 alleles (0.00012%); highest among the groups gnomAD compares: Non-Finnish European, 0.00017%; no homozygotes.

Submission:

Labcorp Genetics (formerly Invitae), Labcorp
Classification: Uncertain significance. Last evaluated: 2024-02-17. Review status: criteria provided, single submitter. Criteria: Invitae Variant Classification Sherloc (09022015). Collection method: clinical testing. Allele origin: germline.
Comment: This sequence change replaces lysine, which is basic and polar, with arginine, which is basic and polar, at codon 480 of the PRPF8 protein (p.Lys480Arg). This variant is not present in population databases (gnomAD no frequency). This variant has not been reported in the literature in individuals affected with PRPF8-related conditions. ClinVar contains an entry for this variant (Variation ID: 2095339). Advanced modeling of protein sequence and biophysical properties (such as structural, functional, and spatial information, amino acid conservation, physicochemical variation, residue mobility, and thermodynamic stability) performed at Invitae indicates that this missense variant is not expected to disrupt PRPF8 protein function with a negative predictive value of 80%. In summary, the available evidence is currently insufficient to determine the role of this variant in disease. Therefore, it has been classified as a Variant of Uncertain Significance.